The following is an entry in ClinVar:

NM_000053.4(ATP7B):c.2883C>G (p.Ile961Met)

Gene: ATP7B (ATPase copper transporting beta; minus strand). Cytogenetic location: 13q14.3.
Variant type: single nucleotide variant.
Coding change: c.2883C>G on transcript NM_000053.4 (MANE Select); coding-DNA position 2883, C replaced by G.
Protein change: p.Ile961Met; replaces isoleucine 961 with methionine.
Molecular consequence: missense variant. On other transcripts: intron variant (6).
Genome position (GRCh38, 1-based): chr13:51,946,461, G>C on the plus strand (C>G on the coding strand, the complement: ATP7B is on the minus strand). VCF-style: chr13-51946461-G-C. GRCh37 (hg19) VCF-style: chr13-52520597-G-C.
Other names: c.2262C>G, p.Ile754Met (NM_001005918.3); c.2550C>G, p.Ile850Met (NM_001243182.2); c.2649C>G, p.Ile883Met (NM_001330578.2, NM_001406527.1, NM_001406528.1 and 1 more transcripts); c.2631C>G, p.Ile877Met (NM_001330579.2, NM_001406531.1, NM_001406532.1); c.2883C>G, p.Ile961Met (NM_001406511.1, NM_001406512.1, NM_001406513.1 and 2 more transcripts); c.2850C>G, p.Ile950Met (NM_001406514.1); c.2643C>G, p.Ile881Met (NM_001406530.1); c.2595C>G, p.Ile865Met (NM_001406534.1); and 18 more; short protein forms I531M, I745M, I754M, I767M, I799M, I818M, I845M, I850M.
Identifiers: ClinVar variation 4758456 (VCV004758456.1).

ClinVar aggregate classification (germline): Uncertain significance (1 of 4 stars; one submission).

Conditions:
Wilson disease (WND). Also called: Wilson's disease. Identifiers: Orphanet 905, MedGen C0019202, MONDO:0010200, OMIM 277900. Disease mechanism: loss of function.

Submission:

Color Diagnostics, LLC DBA Color Health
Classification: Uncertain significance for Wilson disease. Last evaluated: 2022-05-03. Review status: criteria provided, single submitter. Criteria: ACMG Guidelines, 2015. Collection method: clinical testing. Allele origin: germline.
Comment: This missense variant replaces isoleucine with methionine at codon 961 of the ATP7B protein. Computational prediction is inconclusive regarding the impact of this variant on protein structure and function. To our knowledge, functional studies have not been reported for this variant. This variant has not been reported in individuals affected with Wilson disease in the literature. This variant has not been identified in the general population by the Genome Aggregation Database (gnomAD). The available evidence is insufficient to determine the role of this variant in disease conclusively. Therefore, this variant is classified as a Variant of Uncertain Significance.